The following is an entry in ClinVar:

NM_015922.3(NSDHL):c.529A>G (p.Ile177Val)

Gene: NSDHL (NAD(P) dependent 3-beta-hydroxysteroid dehydrogenase NSDHL; plus strand). Cytogenetic location: Xq28.
Variant type: single nucleotide variant.
Coding change: c.529A>G on transcript NM_015922.3 (MANE Select); coding-DNA position 529, A replaced by G.
Protein change: p.Ile177Val; replaces isoleucine 177 with valine.
Molecular consequence: missense variant.
Genome position (GRCh38, 1-based): chrX:152,862,710, A>G. VCF-style: chrX-152862710-A-G. GRCh37 (hg19) VCF-style: chrX-152031254-A-G.
Other names: c.529A>G, p.Ile177Val (NM_001129765.2); short protein forms I177V.
Identifiers: ClinVar variation 2515548 (VCV002515548.4), dbSNP rs781842993, ClinGen allele CA337612347.

ClinVar aggregate classification (germline): Uncertain significance. Review status: criteria provided, multiple submitters, no conflicts (2 of 4 stars). 3 submissions from 3 submitters: Uncertain significance (3). Last evaluated 2024-03-04.

Conditions:
Child syndrome. Also called: CHILD (Congenital Hemidysplasia with Ichthyosiform Nevus and Limb Defects) Syndrome. Identifiers: Orphanet 139, MedGen C0265267, MONDO:0010621, OMIM 308050.
CK syndrome. Also called: MENTAL RETARDATION, X-LINKED, WITH THIN BODY HABITUS AND CORTICAL MALFORMATION. Identifiers: Orphanet 251383, MedGen C3151781, MONDO:0010441, OMIM 300831.
Inborn genetic diseases. Identifiers: MedGen C0950123, MeSH D030342.

Allele frequency attached by ClinVar (database versions not stated): TOPMed 0.00001; gnomAD exomes 0.00002; gnomAD 0.00003.
gnomAD v4.1: 21 of 1,207,576 alleles (0.0017%); highest among the groups gnomAD compares: Non-Finnish European, 0.0022%; no homozygotes.

Submissions (3):

Fulgent Genetics
Classification: Uncertain significance for CK syndrome; Child syndrome. Last evaluated: 2024-03-04. Review status: criteria provided, single submitter. Criteria: ACMG Guidelines, 2015. Collection method: clinical testing. Allele origin: germline.

Women's Health and Genetics/Laboratory Corporation of America, LabCorp
Classification: Uncertain significance. Last evaluated: 2023-07-17. Review status: criteria provided, single submitter. Criteria: LabCorp Variant Classification Summary - May 2015. Collection method: clinical testing. Allele origin: germline.
Comment: Variant summary: NSDHL c.529A>G (p.Ile177Val) results in a conservative amino acid change located in the 3-beta hydroxysteroid dehydrogenase/isomerase family (IPR002225) of the encoded protein sequence. Four of five in-silico tools predict a benign effect of the variant on protein function. The variant allele was found at a frequency of 5.5e-06 in 183474 control chromosomes. The available data on variant occurrences in the general population are insufficient to allow any conclusion about variant significance. To our knowledge, no occurrence of c.529A>G in individuals affected with NSDHL-Related Disorder and no experimental evidence demonstrating its impact on protein function have been reported. One submitter has cited clinical-significance assessments for this variant to ClinVar after 2014 and has classified the variant as uncertain significance. Based on the evidence outlined above, the variant was classified as uncertain significance.

Ambry Genetics
Classification: Uncertain significance for Inborn genetic diseases. Last evaluated: 2023-05-09. Review status: criteria provided, single submitter. Criteria: Ambry Variant Classification Scheme 2023. Collection method: clinical testing. Allele origin: germline.